The following is an entry in ClinVar:

NM_000465.4(BARD1):c.776A>G (p.Asp259Gly)

Gene: BARD1 (BRCA1 associated RING domain 1; minus strand). Cytogenetic location: 2q35.
Variant type: single nucleotide variant.
Coding change: c.776A>G on transcript NM_000465.4 (MANE Select); coding-DNA position 776, A replaced by G.
Protein change: p.Asp259Gly; replaces aspartic acid 259 with glycine.
Molecular consequence: missense variant. On other transcripts: non-coding transcript variant (2), intron variant (3).
Genome position (GRCh38, 1-based): chr2:214,781,098, T>C on the plus strand (A>G on the coding strand, the complement: BARD1 is on the minus strand). VCF-style: chr2-214781098-T-C. GRCh37 (hg19) VCF-style: chr2-215645822-T-C.
Other names: p.D259G:GAC>GGC; c.719A>G, p.Asp240Gly (NM_001282543.2); c.158+28314A>G (NM_001282548.2); c.215+15963A>G (NM_001282545.2); c.364+11199A>G (NM_001282549.2); short protein forms D259G, D240G.
Identifiers: ClinVar variation 127747 (VCV000127747.37), dbSNP rs587780036, ClinGen allele CA331825.

ClinVar aggregate classification (germline): Conflicting classifications of pathogenicity. Review status: criteria provided, conflicting classifications (1 of 4 stars). 10 submissions from 10 submitters: Uncertain significance (9); Likely benign (1). Last evaluated 2026-03-12.

Conditions:
BARD1-related disorder. Also called: BARD1-related condition.
BARD1-related cancer predisposition. Identifiers: MedGen CN377756, MONDO:0700267.
Hereditary cancer-predisposing syndrome. Also called: Neoplastic Syndromes, Hereditary; Tumor predisposition; Hereditary Cancer Syndrome; Hereditary neoplastic syndrome. Identifiers: Orphanet 140162, MedGen C0027672, MeSH D009386, MONDO:0015356.
Familial cancer of breast. Also called: hereditary breast carcinoma; Hereditary breast cancer; BREAST CANCER, FAMILIAL. Identifiers: Orphanet 227535, MedGen C0346153, MONDO:0016419, OMIM 114480. Disease mechanism: loss of function.

Allele frequency attached by ClinVar (database versions not stated): gnomAD exomes below 0.00001 and 0.00006; gnomAD 0.00002; TOPMed 0.00003.
gnomAD v4.1: 81 of 1,586,506 alleles (0.0051%); highest among the groups gnomAD compares: Non-Finnish European, 0.0068%; no homozygotes.

Submissions (10):

Women's Health and Genetics/Laboratory Corporation of America, LabCorp
Classification: Uncertain significance. Last evaluated: 2026-03-12. Review status: criteria provided, single submitter. Criteria: LabCorp Variant Classification Summary - May 2015. Collection method: clinical testing. Allele origin: germline.
Comment: Variant summary: BARD1 c.776A>G (p.Asp259Gly) results in a non-conservative amino acid change in the encoded protein sequence. Algorithms developed to predict the effect of missense changes on protein structure and function are either unavailable or do not agree on the potential impact of this missense change. The variant allele was found at a frequency of 4.4e-06 in 226556 control chromosomes. The available data on variant occurrences in the general population are insufficient to allow any conclusion about variant significance. c.776A>G has been observed in individual(s) affected with Hereditary Breast And Ovarian Cancer Syndrome (Tung_2014, Yorczyk_2015). These report(s) do not provide unequivocal conclusions about association of the variant with Hereditary Breast And Ovarian Cancer Syndrome. Co-occurrences with other pathogenic variant(s) have been reported (CHEK2 c.T599C, p.I200T), providing supporting evidence for a benign role (Bishop_2020). To our knowledge, no experimental evidence demonstrating an impact on protein function has been reported. The following publications have been ascertained in the context of this evaluation (PMID: 32866190, 25186627, 25318351). ClinVar contains an entry for this variant (Variation ID: 127747). Based on the evidence outlined above, the variant was classified as uncertain significance.

Labcorp Genetics (formerly Invitae), Labcorp
Classification: Uncertain significance for Familial cancer of breast. Last evaluated: 2026-02-03. Review status: criteria provided, single submitter. Criteria: Invitae Variant Classification Sherloc (09022015). Collection method: clinical testing. Allele origin: germline.
Comment: This sequence change replaces aspartic acid, which is acidic and polar, with glycine, which is neutral and non-polar, at codon 259 of the BARD1 protein (p.Asp259Gly). This variant is present in population databases (rs587780036, gnomAD 0.002%). This missense change has been observed in individual(s) with breast cancer and/or prostate cancer (PMID: 25186627, 32832836, 32866190). ClinVar contains an entry for this variant (Variation ID: 127747). An algorithm developed to predict the effect of missense changes on protein structure and function (PolyPhen-2) suggests that this variant is likely to be disruptive. In summary, the available evidence is currently insufficient to determine the role of this variant in disease. Therefore, it has been classified as a Variant of Uncertain Significance.

PreventionGenetics, part of Exact Sciences
Classification: Uncertain significance for BARD1-related condition. Last evaluated: 2025-08-19. Review status: criteria provided, single submitter. Criteria: ACMG Guidelines, 2015. Collection method: clinical testing. Allele origin: germline.
Comment: The BARD1 c.776A>G variant is predicted to result in the amino acid substitution p.Asp259Gly. This variant has been identified in an individual with a personal and/or family history of breast cancer and/or prostate cancer (Tung et al. 2014. PubMed ID: 25186627; Bishop et al. 2020. PubMed ID: 32866190; Matejcic et al. 2020. PubMed ID: 32832836; Yorczyk et al. 2014. PubMed ID: 25318351). This variant is reported in 0.0017% of alleles in individuals of European (Non-Finnish) descent in gnomAD and has conflicting interpretations ranging from uncertain to likely benign ClinVar (Variation: 127747). At this time, the clinical significance of this variant is uncertain due to the absence of conclusive functional and genetic evidence.

GeneDx
Classification: Uncertain significance. Last evaluated: 2025-03-25. Review status: criteria provided, single submitter. Criteria: GeneDx Variant Classification Process June 2021. Collection method: clinical testing. Allele origin: germline. Affected: yes.
Comment: Not observed at significant frequency in large population cohorts (gnomAD); In silico analysis supports that this missense variant has a deleterious effect on protein structure/function; This variant is associated with the following publications: (PMID: 33471991, 32866190, 32832836, 25186627, 25318351)

Ambry Genetics
Classification: Uncertain significance for Hereditary cancer-predisposing syndrome. Last evaluated: 2025-03-05. Review status: criteria provided, single submitter. Criteria: Ambry Variant Classification Scheme 2023. Collection method: clinical testing. Allele origin: germline.
Comment: The p.D259G variant (also known as c.776A>G), located in coding exon 4 of the BARD1 gene, results from an A to G substitution at nucleotide position 776. The aspartic acid at codon 259 is replaced by glycine, an amino acid with similar properties. This variant was observed in an individual with early onset-breast cancer amongst a cohort of 1781 non-Ashkenazi Jewish individuals undergoing BRCA1/2 gene testing based on a personal history of breast cancer (Tung N et al. Cancer, 2015 Jan;121:25-33). This variant was detected in a cohort 97 (35 African American and 62 European American) seemingly unrelated breast cancer cases (Bishop MR et al. PLoS One, 2020 Aug;15:e0238295). This variant was also identified in a cohort of 3579 African males diagnosed with prostate cancer who underwent multi-gene panel testing of 19 DNA repair and cancer predisposition genes (Matejcic M et al. JCO Precis Oncol, 2020 Jan;4:32-43). This amino acid position is well conserved in available vertebrate species. In addition, this alteration is predicted to be deleterious by in silico analysis. Since supporting evidence is limited at this time, the clinical significance of this alteration remains unclear.

Molecular Pathology, Peter Maccallum Cancer Centre
Classification: Uncertain significance for BARD1-related cancer predisposition. Last evaluated: 2024-12-30. Review status: criteria provided, single submitter. Criteria: ACMG Guidelines, 2015. Collection method: clinical testing. Allele origin: germline. Inheritance: Autosomal dominant inheritance.

Myriad Genetics, Inc.
Classification: Likely benign for Familial cancer of breast. Last evaluated: 2024-07-22. Review status: criteria provided, single submitter. Criteria: Myriad Autosomal Dominant, Autosomal Recessive and X-Linked Classification Criteria (2023). Collection method: clinical testing. Allele origin: unknown.
Comment: This variant is considered likely benign. This variant is strongly associated with less severe personal and family histories of cancer, typical for individuals without pathogenic variants in this gene [PMID: 25085752].

Baylor Genetics
Classification: Uncertain significance for Familial cancer of breast. Last evaluated: 2024-03-27. Review status: criteria provided, single submitter. Criteria: ACMG Guidelines, 2015. Collection method: clinical testing. Allele origin: unknown.

Color Diagnostics, LLC DBA Color Health
Classification: Uncertain significance for Hereditary cancer-predisposing syndrome. Last evaluated: 2024-01-05. Review status: criteria provided, single submitter. Criteria: ACMG Guidelines, 2015. Collection method: clinical testing. Allele origin: germline.
Comment: This missense variant replaces aspartic acid with glycine at codon 259 of the BARD1 protein. Computational prediction suggests that this variant may not impact protein structure and function. To our knowledge, functional studies have not been reported for this variant. This variant has been reported in individuals affected with breast cancer (PMID: 25186627, 32866190), an individual affected with prostate cancer (PMID: 32832836), and in individual(s) who underwent hereditary cancer genetic testing (PMID: 25318351). In an international breast cancer case-control meta-analysis, this variant was detected in 2/60466 cases and 1/53461 unaffected controls (PMID: 33471991). This variant has been identified in 2/257946 chromosomes in the general population by the Genome Aggregation Database (gnomAD). The available evidence is insufficient to determine the role of this variant in disease conclusively. Therefore, this variant is classified as a Variant of Uncertain Significance.

Quest Diagnostics Nichols Institute San Juan Capistrano
Classification: Uncertain significance. Last evaluated: 2019-10-21. Review status: criteria provided, single submitter. Criteria: Quest Diagnostics criteria. Collection method: clinical testing. Allele origin: unknown.

Literature cited by the submitters: PubMed 25318351 (cited by 4 submitters); PubMed 25186627 (cited by 5 submitters); PubMed 32866190 (cited by 4 submitters); PubMed 32832836 (cited by 3 submitters); PubMed 25085752 (cited by Myriad Genetics, Inc.); PubMed 33471991 (cited by Color Diagnostics, LLC DBA Color Health).